The following is an entry in ClinVar:

ClinVar aggregate classification (germline): Uncertain significance (1 of 4 stars; one submission).

Allele frequency attached by ClinVar (database versions not stated): gnomAD 0.00001.
gnomAD v4.1: 2 of 1,210,294 alleles (0.00017%); highest among the groups gnomAD compares: Admixed American, 0.0022%; no homozygotes.

Submissions (2):

GeneDx
Classification: Uncertain significance. Last evaluated: 2026-06-25. Review status: criteria provided, single submitter. Criteria: GeneDx Variant Classification Process June 2021. Collection method: clinical testing. Allele origin: germline.
Comment: Not observed at significant frequency in large population cohorts (gnomAD); In silico analysis suggests that this missense variant does not alter protein structure/function; Has not been previously published as pathogenic or benign to our knowledge

Dr. Peter K. Rogan Lab, Western University
No classification provided (evidence only). Condition: Nonpapillary renal cell carcinoma. Review status: no classification provided. Collection method: in vitro. Allele origin: not applicable. Functional consequence: retained intron. Not counted in ClinVar's aggregate classification.

NM_080632.3(UPF3B):c.932A>G (p.Asp311Gly)

Gene: UPF3B (UPF3B regulator of nonsense mediated mRNA decay; minus strand). Cytogenetic location: Xq24.
Variant type: single nucleotide variant.
Coding change: c.932A>G on transcript NM_080632.3 (MANE Select); coding-DNA position 932, A replaced by G.
Protein change: p.Asp311Gly; replaces aspartic acid 311 with glycine.
Molecular consequence: missense variant.
Genome position (GRCh38, 1-based): chrX:119,838,442, T>C on the plus strand (A>G on the coding strand, the complement: UPF3B is on the minus strand). VCF-style: chrX-119838442-T-C. GRCh37 (hg19) VCF-style: chrX-118972405-T-C.
Other names: NC_000023.10:g.118972405T>C; c.893A>G, p.Asp298Gly (NM_023010.4); short protein forms D298G, D311G.
Identifiers: ClinVar variation 2579943 (VCV002579943.3), dbSNP rs1007550463, ClinGen allele CA334123880.
Genomic context (GRCh38, chrX:119,838,442, plus strand): 5'-TCTTTAAGTTCGCTATCAGAACGCTTGGGCAATGTACAACTTTGCCCACTGGCTCTTTCA[T>C]CACTGAGATTCTCTTTGTCCAATTTCTTGGCTTTTTCTCTTTTGTCCAATTCTTTTTCAT-3'
Protein context (NP_542199.1, residues 301-321): AKKLDKENLS[Asp311Gly]ERASGQSCTL